The following is an entry in ClinVar:

ClinVar aggregate classification (germline): Uncertain significance. Review status: criteria provided, multiple submitters, no conflicts (2 of 4 stars). 2 submissions from 2 submitters: Uncertain significance (2). Last evaluated 2023-09-13.

Conditions:
Hereditary nonpolyposis colorectal neoplasms. Identifiers: MedGen C0009405, MeSH D003123.

Submissions (2):

Labcorp Genetics (formerly Invitae), Labcorp
Classification: Uncertain significance for Hereditary nonpolyposis colorectal neoplasms. Last evaluated: 2023-09-13. Review status: criteria provided, single submitter. Criteria: Invitae Variant Classification Sherloc (09022015). Collection method: clinical testing. Allele origin: germline.
Comment: This sequence change replaces asparagine, which is neutral and polar, with lysine, which is basic and polar, at codon 455 of the MSH6 protein (p.Asn455Lys). This variant is not present in population databases (gnomAD no frequency). In summary, the available evidence is currently insufficient to determine the role of this variant in disease. Therefore, it has been classified as a Variant of Uncertain Significance. Advanced modeling of protein sequence and biophysical properties (such as structural, functional, and spatial information, amino acid conservation, physicochemical variation, residue mobility, and thermodynamic stability) performed at Invitae indicates that this missense variant is not expected to disrupt MSH6 protein function. ClinVar contains an entry for this variant (Variation ID: 418322). This variant has not been reported in the literature in individuals affected with MSH6-related conditions.

GeneDx
Classification: Uncertain significance. Last evaluated: 2023-03-22. Review status: criteria provided, single submitter. Criteria: GeneDx Variant Classification Process June 2021. Collection method: clinical testing. Allele origin: germline. Affected: yes.
Comment: Not observed at significant frequency in large population cohorts (gnomAD); In silico analysis supports that this missense variant does not alter protein structure/function; Has not been previously published as pathogenic or benign to our knowledge; This variant is associated with the following publications: (PMID: 17531815, 21120944)

NM_000179.3(MSH6):c.1365C>G (p.Asn455Lys)

Gene: MSH6 (mutS homolog 6; plus strand). Cytogenetic location: 2p16.3.
Variant type: single nucleotide variant.
Coding change: c.1365C>G on transcript NM_000179.3 (MANE Select); coding-DNA position 1365, C replaced by G.
Protein change: p.Asn455Lys; replaces asparagine 455 with lysine.
Molecular consequence: missense variant.
Genome position (GRCh38, 1-based): chr2:47,799,348, C>G. VCF-style: chr2-47799348-C-G. GRCh37 (hg19) VCF-style: chr2-48026487-C-G.
Other names: c.975C>G, p.Asn325Lys (NM_001281492.2); c.459C>G, p.Asn153Lys (NM_001281493.2, NM_001281494.2); short protein forms N455K, N325K, N153K.
Identifiers: ClinVar variation 418322 (VCV000418322.6), dbSNP rs1064793186, ClinGen allele CA16617650.